The following is an entry in ClinVar:

NM_001814.6(CTSC):c.-63C>A

Gene: CTSC (cathepsin C; minus strand). Cytogenetic location: 11q14.2.
Variant type: single nucleotide variant.
Coding change: c.-63C>A on transcript NM_001814.6 (MANE Select); 63 bases upstream of the start codon, C replaced by A.
Molecular consequence: 5 prime UTR variant.
Genome position (GRCh38, 1-based): chr11:88,337,735, G>T on the plus strand (C>A on the coding strand, the complement: CTSC is on the minus strand). VCF-style: chr11-88337735-G-T. GRCh37 (hg19) VCF-style: chr11-88070903-G-T.
Other names: c.-63C>A (NM_001114173.3, NM_148170.5).
Identifiers: ClinVar variation 3049028 (VCV003049028.2), dbSNP rs749706315, ClinGen allele CA6220191.

ClinVar aggregate classification (germline): Likely benign (0 of 4 stars; one submission).

Conditions:
CTSC-related disorder. Also called: CTSC-related disorders; CTSC-related condition. Identifiers: MedGen CN375926, MONDO:0800465.

Allele frequency attached by ClinVar (database versions not stated): gnomAD 0.00028; TOPMed 0.00028; 1000 Genomes Project 30x 0.00031.
gnomAD v4.1: 77 of 1,536,560 alleles (0.005%); highest among the groups gnomAD compares: African/African-American, 0.1%; no homozygotes.

Submission:

PreventionGenetics, part of Exact Sciences
Classification: Likely benign for CTSC-related condition. Last evaluated: 2019-12-05. Review status: no assertion criteria provided. Collection method: clinical testing. Allele origin: germline.
Comment: This variant is classified as likely benign based on ACMG/AMP sequence variant interpretation guidelines (Richards et al. 2015 PMID: 25741868, with internal and published modifications).